The following is an entry in ClinVar:

NM_024312.5(GNPTAB):c.1633A>T (p.Lys545Ter)

Gene: GNPTAB (N-acetylglucosamine-1-phosphate transferase subunits alpha and beta; minus strand). Cytogenetic location: 12q23.2.
Variant type: single nucleotide variant.
Coding change: c.1633A>T on transcript NM_024312.5 (MANE Select); coding-DNA position 1633, A replaced by T.
Protein change: p.Lys545Ter; replaces lysine 545 with a stop codon.
Molecular consequence: nonsense.
Genome position (GRCh38, 1-based): chr12:101,765,284, T>A on the plus strand (A>T on the coding strand, the complement: GNPTAB is on the minus strand). VCF-style: chr12-101765284-T-A. GRCh37 (hg19) VCF-style: chr12-102159062-T-A.
Other names: short protein forms K545*.
Identifiers: ClinVar variation 984021 (VCV000984021.4), dbSNP rs1953073126, ClinGen allele CA386300146.
Genomic context (GRCh38, chr12:101,765,284, plus strand): 5'-AAGGCAGGCATTCACCTTTTGGAATAATATAGTGAGTCTGGTTTGGGAGAAGGATCACTT[T>A]ATACAATTCATGAAAATGATCTAGAGGAAAAAACAGAAACATGATTTTTTTTTTAACTGG-3'

ClinVar aggregate classification (germline): Likely pathogenic (1 of 4 stars; one submission).

Conditions:
GNPTAB-mucolipidosis. Also called: UDP-N-acetylglucosamine-1-phosphotransferase subunit alpha/beta deficiency. Identifiers: MedGen CN322573, MONDO:0100122.

Submission:

Myriad Genetics, Inc.
Classification: Likely pathogenic for GNPTAB-mucolipidosis. Last evaluated: 2019-06-06. Review status: criteria provided, single submitter. Criteria: Myriad Autosomal Dominant, Autosomal Recessive and X-Linked Classification Criteria (2023). Collection method: clinical testing. Allele origin: unknown.
Comment: NM_024312.4(GNPTAB):c.1633A>T(K545*) is expected to be pathogenic in the context of GNPTAB-related disorders. This variant is predicted to lead to an abnormal or absent protein product due to the creation of a premature termination codon in GNPTAB, a gene where loss-of-function variants are known to be pathogenic. Please note: this variant was assessed in the context of healthy population screening.